The following is an entry in ClinVar:

ClinVar aggregate classification (germline): Likely benign (1 of 4 stars; one submission).

Conditions:
MPV17-related disorder. Also called: MPV17-related condition; MPV17-related disorders. Identifiers: MedGen CN239328.

gnomAD v4.1: 19 of 1,613,678 alleles (0.0012%); highest among the groups gnomAD compares: East Asian, 0.036%; no homozygotes.

Submission:

PreventionGenetics, part of Exact Sciences
Classification: Likely benign for MPV17-related condition. Last evaluated: 2025-08-14. Review status: criteria provided, single submitter. Criteria: ACMG Guidelines, 2015. Collection method: clinical testing. Allele origin: germline.
Comment: This variant is classified as likely benign based on ACMG/AMP sequence variant interpretation guidelines (Richards et al. 2015 PMID: 25741868, with internal and published modifications).

NM_002437.5(MPV17):c.528C>G (p.Leu176=)

Gene: MPV17 (mitochondrial inner membrane protein MPV17; minus strand). Cytogenetic location: 2p23.3.
Variant type: single nucleotide variant.
Coding change: c.528C>G on transcript NM_002437.5 (MANE Select); coding-DNA position 528, C replaced by G.
Protein change: p.Leu176=; no amino-acid change (leucine 176 retained).
Molecular consequence: synonymous variant.
Genome position (GRCh38, 1-based): chr2:27,309,915, G>C on the plus strand (C>G on the coding strand, the complement: MPV17 is on the minus strand). VCF-style: chr2-27309915-G-C. GRCh37 (hg19) VCF-style: chr2-27532783-G-C.
Identifiers: ClinVar variation 4979544 (VCV004979544.1).
Genomic context (GRCh38, chr2:27,309,915, plus strand): 5'-ACCGTTCCAGGGTCAAGCTGCATCACTGCAAGGTGGAAACGATGGAGTGAGGCAGGCTTA[G>C]AGCCGATGTGCCTTCCAGGACAGGTAGGAGTTCCAGATAACAGCAACACATTGGACAACG-3'
Protein context (NP_002428.1, residues 166-176): NSYLSWKAHR[Leu176=]